The following is an entry in ClinVar:

ClinVar aggregate classification (germline): Conflicting classifications of pathogenicity. Review status: criteria provided, conflicting classifications (1 of 4 stars). 3 submissions from 3 submitters: Uncertain significance (1); Likely benign (2). Last evaluated 2026-01-25.

Conditions:
Inborn genetic diseases. Identifiers: MedGen C0950123, MeSH D030342.
Hereditary sensory and autonomic neuropathy type 6. Also called: HSAN VI; Neuropathy, hereditary sensory and autonomic, type VI. Identifiers: Orphanet 314381, MedGen C3539003, MONDO:0013839, OMIM 614653.
Epidermolysis bullosa simplex 3, localized or generalized intermediate, with BP230 deficiency (EBS3). Also called: Epidermolysis bullosa simplex, autosomal recessive 2; Epidermolysis bullosa simplex due to BP230 deficiency. Identifiers: Orphanet 412181, MedGen C3809470, MONDO:0014180, OMIM 615425.
DST-related disorder. Also called: DST-related condition; DST-related disorders.

Submissions (4):

Labcorp Genetics (formerly Invitae), Labcorp
Classification: Likely benign for Epidermolysis bullosa simplex 3, localized or generalized intermediate, with BP230 deficiency; Hereditary sensory and autonomic neuropathy type 6. Last evaluated: 2026-01-25. Review status: criteria provided, single submitter. Criteria: Invitae Variant Classification Sherloc (09022015). Collection method: clinical testing. Allele origin: germline.

PreventionGenetics, part of Exact Sciences
Classification: Likely benign for DST-related condition. Last evaluated: 2025-04-12. Review status: criteria provided, single submitter. Criteria: ACMG Guidelines, 2015. Collection method: clinical testing. Allele origin: germline.
Comment: This variant is classified as likely benign based on ACMG/AMP sequence variant interpretation guidelines (Richards et al. 2015 PMID: 25741868, with internal and published modifications).

Ambry Genetics
Classification: Uncertain significance for Inborn genetic diseases. Last evaluated: 2021-02-08. Review status: criteria provided, single submitter. Criteria: Ambry Variant Classification Scheme 2023. Collection method: clinical testing. Allele origin: germline.
Comment: The c.8084-7_8084-6delCT intronic variant is located 6 nucleotides upstream from coding exon 53 in the DST gene. This variant results from a deletion of two nucleotides at positions c.8084-7 to c.8084-6. This nucleotide region is not well conserved in available vertebrate species. In silico splice site analysis predicts that this alteration will not have any significant effect on splicing. Since supporting evidence is limited at this time, the clinical significance of this alteration remains unclear.

Dr. Peter K. Rogan Lab, Western University
No classification provided (evidence only). Condition: Familial cancer of breast. Review status: no classification provided. Collection method: in vitro. Allele origin: not applicable. Functional consequence: retained intron. Not counted in ClinVar's aggregate classification.

NM_001374736.1(DST):c.14441-7_14441-6del

Gene: DST (dystonin; minus strand). Cytogenetic location: 6p12.1.
Variant type: Deletion.
Coding change: c.14441-7_14441-6del on transcript NM_001374736.1 (MANE Select); 7 bases into the intron before coding-DNA position 14441 through 6 bases into the intron before coding-DNA position 14441, 2 bases deleted (CT; older notation c.14441-7_14441-6delCT).
Molecular consequence: intron variant.
Genome position (GRCh38, 1-based): chr6:56,557,524-56,557,525, AG deleted on the plus strand (CT on the coding strand, the reverse complement: DST is on the minus strand); deleting any 2 consecutive bases within chr6:56,557,524-56,557,526 gives the same sequence; the c. name uses the placement nearest the transcript's 3' end. VCF-style (leftmost placement, unchanged base first): chr6-56557523-AAG-A. GRCh37 (hg19) VCF-style: chr6-56422321-AAG-A.
Other names: NC_000006.11:g.56422323_56422324del; c.8084-7_8084-6del (NM_001144769.5); c.14441-7_14441-6del (NM_001374722.1); c.14468-7_14468-6del (NM_001374734.1); c.7670-7_7670-6del (NM_001144770.2); c.7550-7_7550-6del (NM_001374730.1, NM_001386100.1, NM_183380.4); c.13808-7_13808-6del (NM_001374729.1); c.6572-7_6572-6del (NM_015548.5); and 1 more.
Identifiers: ClinVar variation 1091095 (VCV001091095.13), dbSNP rs773495985, ClinGen allele CA3868004.